The following is an entry in ClinVar:

ClinVar aggregate classification (germline): Uncertain significance. Review status: criteria provided, multiple submitters, no conflicts (2 of 4 stars). 2 submissions from 2 submitters: Uncertain significance (2). Last evaluated 2024-08-09.

gnomAD v4.1: 5 of 1,613,326 alleles (0.00031%); highest among the groups gnomAD compares: Non-Finnish European, 0.00042%; no homozygotes.

Submissions (2):

GeneDx
Classification: Uncertain significance. Last evaluated: 2024-08-09. Review status: criteria provided, single submitter. Criteria: GeneDx Variant Classification Process June 2021. Collection method: clinical testing. Allele origin: germline. Affected: yes.
Comment: Not observed at significant frequency in large population cohorts (gnomAD); In silico analysis supports that this missense variant has a deleterious effect on protein structure/function; In silico analysis supports that this missense variant has a deleterious effect on splicing; Has not been previously published as pathogenic or benign to our knowledge

Blueprint Genetics
Classification: Uncertain significance. Last evaluated: 2019-12-30. Review status: criteria provided, single submitter. Criteria: ACMG Guidelines, 2015. Collection method: clinical testing. Allele origin: germline.

NM_001374353.1(GLI2):c.665G>A (p.Arg222Gln)

Gene: GLI2 (GLI family zinc finger 2; plus strand). Cytogenetic location: 2q14.2.
Variant type: single nucleotide variant.
Coding change: c.665G>A on transcript NM_001374353.1 (MANE Select); coding-DNA position 665, G replaced by A.
Protein change: p.Arg222Gln; replaces arginine 222 with glutamine.
Molecular consequence: missense variant.
Genome position (GRCh38, 1-based): chr2:120,968,735, G>A. VCF-style: chr2-120968735-G-A. GRCh37 (hg19) VCF-style: chr2-121726311-G-A.
Other names: c.665G>A, p.Arg222Gln (NM_001371271.1, NM_005270.5); c.290G>A, p.Arg97Gln (NM_001374354.1); short protein forms R222Q, R97Q.
Identifiers: ClinVar variation 1196146 (VCV001196146.6), dbSNP rs1213874652, ClinGen allele CA348165528.